The following is an entry in ClinVar:

NM_198904.4(GABRG2):c.631+18T>A

Gene: GABRG2 (gamma-aminobutyric acid type A receptor subunit gamma2; plus strand). Cytogenetic location: 5q34.
Variant type: single nucleotide variant.
Coding change: c.631+18T>A on transcript NM_198904.4 (MANE Select); 18 bases into the intron after coding-DNA position 631, T replaced by A.
Molecular consequence: intron variant.
Genome position (GRCh38, 1-based): chr5:162,101,335, T>A. VCF-style: chr5-162101335-T-A. GRCh37 (hg19) VCF-style: chr5-161528341-T-A.
Other names: c.346+18T>A (NM_001375349.1); c.631+18T>A (NM_001375343.1, NM_001375344.1, NM_001375340.1 and 4 more transcripts); c.211+18T>A (NM_001375350.1, NM_001375348.1); c.622+18T>A (NM_001375339.1); c.565+18T>A (NM_001375346.1, NM_001375345.1); c.544+18T>A (NM_001375347.1).
Identifiers: ClinVar variation 137422 (VCV000137422.10), dbSNP rs145582456, ClinGen allele CA290993.

ClinVar aggregate classification (germline): Benign/Likely benign. Review status: criteria provided, multiple submitters, no conflicts (2 of 4 stars). 3 submissions from 3 submitters: Benign (2); Likely benign (1). Last evaluated 2025-12-25.

Conditions:
Febrile seizures, familial, 8 (FEB8). Also called: CONVULSIONS, FAMILIAL FEBRILE, 8. Identifiers: Orphanet 36387, MedGen C1969810, MONDO:0011891, OMIM 607681.
EPILEPSY, CHILDHOOD ABSENCE, SUSCEPTIBILITY TO, 2 (ECA2). Identifiers: Orphanet 64280, MedGen C1843244, OMIM 607681.

Allele frequency attached by ClinVar (database versions not stated): gnomAD exomes 0.00004 and 0.00014; ExAC 0.00019; TOPMed 0.00046; gnomAD 0.00050 and 0.00054; ESP Exome Variant Server 0.00062; 1000 Genomes Project 0.00080; 1000 Genomes Project 30x 0.00109.
gnomAD v4.1: 130 of 1,447,488 alleles (0.009%); highest among the groups gnomAD compares: African/African-American, 0.18%; no homozygotes.

Submissions (3):

Labcorp Genetics (formerly Invitae), Labcorp
Classification: Benign for Febrile seizures, familial, 8; EPILEPSY, CHILDHOOD ABSENCE, SUSCEPTIBILITY TO, 2. Last evaluated: 2025-12-25. Review status: criteria provided, single submitter. Criteria: Invitae Variant Classification Sherloc (09022015). Collection method: clinical testing. Allele origin: germline.

Blueprint Genetics
Classification: Likely benign. Last evaluated: 2023-05-19. Review status: criteria provided, single submitter. Criteria: ACMG Guidelines, 2015. Collection method: clinical testing. Allele origin: germline.

GeneDx
Classification: Benign. Last evaluated: 2013-12-02. Review status: criteria provided, single submitter. Criteria: GeneDx Variant Classification (06012015). Collection method: clinical testing. Allele origin: germline. Affected: yes.
Comment: This variant is considered likely benign or benign based on one or more of the following criteria: it is a conservative change, it occurs at a poorly conserved position in the protein, it is predicted to be benign by multiple in silico algorithms, and/or has population frequency not consistent with disease.